The following is an entry in ClinVar:

NM_000878.5(IL2RB):c.520C>G (p.Pro174Ala)

Gene: IL2RB (interleukin 2 receptor subunit beta; minus strand). Cytogenetic location: 22q12.3.
Variant type: single nucleotide variant.
Coding change: c.520C>G on transcript NM_000878.5 (MANE Select); coding-DNA position 520, C replaced by G.
Protein change: p.Pro174Ala; replaces proline 174 with alanine.
Molecular consequence: missense variant.
Genome position (GRCh38, 1-based): chr22:37,137,604, G>C on the plus strand (C>G on the coding strand, the complement: IL2RB is on the minus strand). VCF-style: chr22-37137604-G-C. GRCh37 (hg19) VCF-style: chr22-37533644-G-C.
Other names: c.520C>G (NM_000878.3, NM_000878.2); c.520C>G, p.Pro174Ala (NM_001346222.1, NM_001346223.2); short protein forms P174A.
Identifiers: ClinVar variation 1465436 (VCV001465436.8), dbSNP rs781429683, ClinGen allele CA10216606.

ClinVar aggregate classification (germline): Uncertain significance. Review status: criteria provided, multiple submitters, no conflicts (2 of 4 stars). 3 submissions from 3 submitters: Uncertain significance (3). Last evaluated 2025-06-24.

Allele frequency attached by ClinVar (database versions not stated): ExAC 0.00002; gnomAD 0.00002 and 0.00003; gnomAD exomes 0.00002 and 0.00003; TOPMed 0.00003.
gnomAD v4.1: 48 of 1,614,074 alleles (0.003%); highest among the groups gnomAD compares: Non-Finnish European, 0.0038%; no homozygotes.

Submissions (3):

Ambry Genetics
Classification: Uncertain significance. Last evaluated: 2025-06-24. Review status: criteria provided, single submitter. Criteria: Ambry Variant Classification Scheme 2023. Collection method: clinical testing. Allele origin: germline.

GeneDx
Classification: Uncertain significance. Last evaluated: 2024-06-26. Review status: criteria provided, single submitter. Criteria: GeneDx Variant Classification Process June 2021. Collection method: clinical testing. Allele origin: germline. Affected: yes.
Comment: In silico analysis supports that this missense variant has a deleterious effect on protein structure/function; Has not been previously published as pathogenic or benign to our knowledge

Labcorp Genetics (formerly Invitae), Labcorp
Classification: Uncertain significance. Last evaluated: 2022-10-17. Review status: criteria provided, single submitter. Criteria: Invitae Variant Classification Sherloc (09022015). Collection method: clinical testing. Allele origin: germline.
Comment: This sequence change replaces proline, which is neutral and non-polar, with alanine, which is neutral and non-polar, at codon 174 of the IL2RB protein (p.Pro174Ala). This variant is present in population databases (rs781429683, gnomAD 0.01%). This variant has not been reported in the literature in individuals affected with IL2RB-related conditions. ClinVar contains an entry for this variant (Variation ID: 1465436). Algorithms developed to predict the effect of missense changes on protein structure and function output the following: SIFT: "Tolerated"; PolyPhen-2: "Benign"; Align-GVGD: "Class C0". The alanine amino acid residue is found in multiple mammalian species, which suggests that this missense change does not adversely affect protein function. In summary, the available evidence is currently insufficient to determine the role of this variant in disease. Therefore, it has been classified as a Variant of Uncertain Significance.